The following is an entry in ClinVar:

ClinVar aggregate classification (germline): Uncertain significance. Review status: criteria provided, multiple submitters, no conflicts (2 of 4 stars). 2 submissions from 2 submitters: Uncertain significance (2). Last evaluated 2022-07-06.

Conditions:
Jeune thoracic dystrophy. Also called: Jeune syndrome; Infantile thoracic dystrophy; Thoracic pelvic phalangeal dystrophy; Jeune's syndrome; Chondroectodermal dysplasia-like syndrome; Short-rib thoracic dysplasia. Identifiers: Orphanet 474, MedGen C0265275, MONDO:0018770.

Allele frequency attached by ClinVar (database versions not stated): ExAC 0.00001; gnomAD exomes 0.00001; TOPMed 0.00002; gnomAD 0.00003.
gnomAD v4.1: 19 of 1,610,650 alleles (0.0012%); highest among the groups gnomAD compares: Admixed American, 0.0017%; no homozygotes.

Submissions (2):

Labcorp Genetics (formerly Invitae), Labcorp
Classification: Uncertain significance for Jeune thoracic dystrophy. Last evaluated: 2022-07-06. Review status: criteria provided, single submitter. Criteria: Invitae Variant Classification Sherloc (09022015). Collection method: clinical testing. Allele origin: germline.
Comment: This sequence change replaces arginine, which is basic and polar, with cysteine, which is neutral and slightly polar, at codon 4015 of the DYNC2H1 protein (p.Arg4015Cys). This variant is not present in population databases (gnomAD no frequency). This variant has not been reported in the literature in individuals affected with DYNC2H1-related conditions. ClinVar contains an entry for this variant (Variation ID: 811696). Advanced modeling of protein sequence and biophysical properties (such as structural, functional, and spatial information, amino acid conservation, physicochemical variation, residue mobility, and thermodynamic stability) performed at Invitae indicates that this missense variant is not expected to disrupt DYNC2H1 protein function. In summary, the available evidence is currently insufficient to determine the role of this variant in disease. Therefore, it has been classified as a Variant of Uncertain Significance.

ARUP Laboratories, Molecular Genetics and Genomics, ARUP Laboratories
Classification: Uncertain significance. Last evaluated: 2018-07-07. Review status: criteria provided, single submitter. Criteria: ARUP Molecular Germline Variant Investigation Process. Collection method: clinical testing. Allele origin: germline.
Comment: The DYNC2H1 c.12043C>T; p.Arg4015Cys variant (rs765336353), to our knowledge, is not describe in the medical literature or in gene-specific databases. It is also absent from general population databases (1000 Genomes Project, Exome Variant Server, and Genome Aggregation Database), indicating it is not a common polymorphism. The arginine at codon 4015 is highly conserved, but computational algorithms (PolyPhen-2: probably damaging, SIFT: tolerated) are inconclusive on the effect of this variant on protein structure and/or function. Due to limited information regarding this variant, its clinical significance cannot be determined with certainty. Pathogenic variants in DYNC2H1 follow autosomal recessive and digenic recessive (with NEK1 variants) inheritance patterns and are associated with short-rib thoracic dysplasia 3 with or without polydactyly (MIM: 613091).

NM_001377.3(DYNC2H1):c.12022C>T (p.Arg4008Cys)

Gene: DYNC2H1 (dynein cytoplasmic 2 heavy chain 1; plus strand). Cytogenetic location: 11q22.3.
Variant type: single nucleotide variant.
Coding change: c.12022C>T on transcript NM_001377.3 (MANE Select); coding-DNA position 12022, C replaced by T.
Protein change: p.Arg4008Cys; replaces arginine 4008 with cysteine.
Molecular consequence: missense variant.
Genome position (GRCh38, 1-based): chr11:103,323,973, C>T. VCF-style: chr11-103323973-C-T. GRCh37 (hg19) VCF-style: chr11-103194701-C-T.
Other names: c.12043C>T, p.Arg4015Cys (NM_001080463.2); short protein forms R4008C, R4015C.
Identifiers: ClinVar variation 811696 (VCV000811696.9), dbSNP rs765336353, ClinGen allele CA6255433.